The following is an entry in ClinVar:

NM_145239.3(PRRT2):c.896A>G (p.Gln299Arg)

Genes: MVP-DT (MVP divergent transcript; minus strand), PRRT2 (proline rich transmembrane protein 2; plus strand). Cytogenetic location: 16p11.2.
Variant type: single nucleotide variant.
Coding change: c.896A>G on transcript NM_145239.3 (MANE Select); coding-DNA position 896, A replaced by G.
Protein change: p.Gln299Arg; replaces glutamine 299 with arginine.
Molecular consequence: missense variant. On other transcripts: 3 prime UTR variant (1).
Genome position (GRCh38, 1-based): chr16:29,814,349, A>G. VCF-style: chr16-29814349-A-G. GRCh37 (hg19) VCF-style: chr16-29825670-A-G.
Other names: c.896A>G, p.Gln299Arg (NM_001256442.2); c.*395A>G (NM_001256443.2); short protein forms Q299R.
Identifiers: ClinVar variation 2087788 (VCV002087788.5), dbSNP rs2142428856, ClinGen allele CA395480513.

ClinVar aggregate classification (germline): Uncertain significance. Review status: criteria provided, multiple submitters, no conflicts (2 of 4 stars). 2 submissions from 2 submitters: Uncertain significance (2). Last evaluated 2025-03-25.

Conditions:
Episodic kinesigenic dyskinesia (EKD). Also called: Paroxysmal kinesigenic dyskinesia. Identifiers: Orphanet 98809, MedGen C1868682, MONDO:0044202.

Allele frequency attached by ClinVar (database versions not stated): gnomAD exomes below 0.00001.
gnomAD v4.1: 1 of 1,605,610 alleles (0.000062%); highest among the groups gnomAD compares: Non-Finnish European, 0.000085%; no homozygotes.

Submissions (2):

Labcorp Genetics (formerly Invitae), Labcorp
Classification: Uncertain significance for Episodic kinesigenic dyskinesia. Last evaluated: 2025-03-25. Review status: criteria provided, single submitter. Criteria: Invitae Variant Classification Sherloc (09022015). Collection method: clinical testing. Allele origin: germline.
Comment: This sequence change replaces glutamine, which is neutral and polar, with arginine, which is basic and polar, at codon 299 of the PRRT2 protein (p.Gln299Arg). This variant is not present in population databases (gnomAD no frequency). This variant has not been reported in the literature in individuals affected with PRRT2-related conditions. ClinVar contains an entry for this variant (Variation ID: 2087788). Invitae Evidence Modeling of protein sequence and biophysical properties (such as structural, functional, and spatial information, amino acid conservation, physicochemical variation, residue mobility, and thermodynamic stability) has been performed for this missense variant. However, the output from this modeling did not meet the statistical confidence thresholds required to predict the impact of this variant on PRRT2 protein function. In summary, the available evidence is currently insufficient to determine the role of this variant in disease. Therefore, it has been classified as a Variant of Uncertain Significance.

GeneDx
Classification: Uncertain significance. Last evaluated: 2024-10-17. Review status: criteria provided, single submitter. Criteria: GeneDx Variant Classification Process June 2021. Collection method: clinical testing. Allele origin: germline. Affected: yes.
Comment: Not observed at significant frequency in large population cohorts (gnomAD); In silico analysis indicates that this missense variant does not alter protein structure/function; Has not been previously published as pathogenic or benign to our knowledge